The following is an entry in ClinVar:

ClinVar aggregate classification (germline): Pathogenic (1 of 4 stars; one submission).

Submission:

Labcorp Genetics (formerly Invitae), Labcorp
Classification: Pathogenic. Last evaluated: 2023-04-28. Review status: criteria provided, single submitter. Criteria: Invitae Variant Classification Sherloc (09022015). Collection method: clinical testing. Allele origin: germline.
Comment: For these reasons, this variant has been classified as Pathogenic. This variant has not been reported in the literature in individuals affected with TET2-related conditions. This variant is not present in population databases (gnomAD no frequency). This sequence change creates a premature translational stop signal (p.Leu596Profs*7) in the TET2 gene. It is expected to result in an absent or disrupted protein product. Loss-of-function variants in TET2 are known to be pathogenic (PMID: 36066697).

Literature cited by the submitters: PubMed 36066697.

NM_001127208.3(TET2):c.1784_1785insCCCAT (p.Leu596fs)

Genes: TET2 (tet methylcytosine dioxygenase 2; plus strand), TET2-AS1 (TET2 antisense RNA 1; minus strand). Cytogenetic location: 4q24.
Variant type: Insertion.
Coding change: c.1784_1785insCCCAT on transcript NM_001127208.3 (MANE Select); coding-DNA positions 1784 to 1785, CCCAT inserted.
Protein change: p.Leu596fs; shifts the reading frame from leucine 596.
Molecular consequence: frameshift variant.
Genome position: GRCh38 VCF-style: chr4-105235726-A-ACCCAT. GRCh37 (hg19) VCF-style: chr4-106156883-A-ACCCAT.
Other names: c.1784_1785insCCCAT, p.Leu596fs (NM_017628.4); short protein forms L596fs.
Identifiers: ClinVar variation 2859968 (VCV002859968.3), dbSNP rs2476493668, ClinGen allele CA2739270215.